The following is an entry in ClinVar:

NM_001940.4(ATN1):c.2161C>T (p.Leu721=)

Gene: ATN1 (atrophin 1; plus strand). Cytogenetic location: 12p13.31.
Variant type: single nucleotide variant.
Coding change: c.2161C>T on transcript NM_001940.4 (MANE Select); coding-DNA position 2161, C replaced by T.
Protein change: p.Leu721=; no amino-acid change (leucine 721 retained).
Molecular consequence: synonymous variant.
Genome position (GRCh38, 1-based): chr12:6,937,428, C>T. VCF-style: chr12-6937428-C-T. GRCh37 (hg19) VCF-style: chr12-7046591-C-T.
Other names: p.Leu721=; c.2161C>T, p.Leu721= (NM_001424176.1, NM_001424177.1, NM_001424178.1 and 1 more transcripts); c.2158C>T, p.Leu720= (NM_001424179.1, NM_001424180.1); c.2161C>T (NM_001007026.1).
Identifiers: ClinVar variation 4683717 (VCV004683717.3).

ClinVar aggregate classification (germline): Benign/Likely benign. Review status: criteria provided, multiple submitters, no conflicts (2 of 4 stars). 3 submissions from 3 submitters: Benign (2); Likely benign (1). Last evaluated 2025-05-28.

Conditions:
ATN1-related disorder. Also called: ATN1-related disorders; ATN1-related condition.

gnomAD v4.1: 25,315 of 1,547,510 alleles (1.6%); highest among the groups gnomAD compares: Non-Finnish European, 1.8%; 309 homozygotes.

Submissions (3):

PreventionGenetics, part of Exact Sciences
Classification: Benign for ATN1-related condition. Last evaluated: 2025-05-28. Review status: criteria provided, single submitter. Criteria: ACMG Guidelines, 2015. Collection method: clinical testing. Allele origin: germline.
Comment: This variant is classified as benign based on ACMG/AMP sequence variant interpretation guidelines (Richards et al. 2015 PMID: 25741868, with internal and published modifications).

Blueprint Genetics
Classification: Likely benign. Last evaluated: 2024-11-25. Review status: criteria provided, single submitter. Criteria: ACMG Guidelines, 2015. Collection method: clinical testing. Allele origin: germline.

Mayo Clinic Laboratories, Mayo Clinic
Classification: Benign. Last evaluated: 2023-04-09. Review status: criteria provided, single submitter. Criteria: ACMG Guidelines, 2015. Collection method: clinical testing. Allele origin: germline. Observed: 7 variant alleles.